The following is an entry in ClinVar:

NM_015215.4(CAMTA1):c.806-11G>A

Gene: CAMTA1 (calmodulin binding transcription activator 1; plus strand). Cytogenetic location: 1p36.23.
Variant type: single nucleotide variant.
Coding change: c.806-11G>A on transcript NM_015215.4 (MANE Select); 11 bases into the intron before coding-DNA position 806, G replaced by A.
Molecular consequence: intron variant.
Genome position (GRCh38, 1-based): chr1:7,663,342, G>A. VCF-style: chr1-7663342-G-A. GRCh37 (hg19) VCF-style: chr1-7723402-G-A.
Other names: c.806-11G>A (NM_001349609.2, NM_001349610.2); c.716-11G>A (NM_001349608.2, NM_001349612.2).
Identifiers: ClinVar variation 931279 (VCV000931279.8), dbSNP rs200922493, ClinGen allele CA566299.

ClinVar aggregate classification (germline): Likely benign. Review status: criteria provided, multiple submitters, no conflicts (2 of 4 stars). 2 submissions from 2 submitters: Likely benign (2). Last evaluated 2025-04-21.

Conditions:
Cerebellar dysfunction with variable cognitive and behavioral abnormalities (CECBA). Also called: Nonprogressive cerebellar atxia with intellectual disability. Identifiers: Orphanet 314647, MedGen C3553661, MONDO:0013886, OMIM 614756.

Allele frequency attached by ClinVar (database versions not stated): ExAC 0.00010; gnomAD 0.00012 and 0.00014; gnomAD exomes 0.00012; TOPMed 0.00012; ESP Exome Variant Server 0.00015; 1000 Genomes Project 30x 0.00016; 1000 Genomes Project 0.00020.
gnomAD v4.1: 127 of 1,519,308 alleles (0.0084%); highest among the groups gnomAD compares: African/African-American, 0.018%; 1 homozygote.

Submissions (2):

Labcorp Genetics (formerly Invitae), Labcorp
Classification: Likely benign. Last evaluated: 2025-04-21. Review status: criteria provided, single submitter. Criteria: Invitae Variant Classification Sherloc (09022015). Collection method: clinical testing. Allele origin: germline.

Centre for Mendelian Genomics, University Medical Centre Ljubljana
Classification: Likely benign for Cerebellar dysfunction with variable cognitive and behavioral abnormalities. Last evaluated: 2018-10-11. Review status: criteria provided, single submitter. Criteria: ACMG Guidelines, 2015. Collection method: clinical testing. Allele origin: unknown. Affected: yes.
Comment: This variant was classified as: Likely benign. The following ACMG criteria were applied in classifying this variant: BS1,BP4.